The following is an entry in ClinVar:

ClinVar aggregate classification (germline): Uncertain significance. Review status: criteria provided, multiple submitters, no conflicts (2 of 4 stars). 3 submissions from 3 submitters: Uncertain significance (3). Last evaluated 2025-09-22.

Conditions:
Medulloblastoma (MDB). Also called: Medulloblastoma, somatic; MEDULLOBLASTOMA PREDISPOSITION SYNDROME. Identifiers: Orphanet 616, MedGen C0025149, MeSH D008527, MONDO:0007959, OMIM 155255, HP:0002885.
Basal cell carcinoma, susceptibility to, 1. Also called: BCC1. Identifiers: MedGen C2751544, MONDO:0011556, OMIM 605462.
Gorlin syndrome. Also called: Nevoid Basal Cell Carcinoma Syndrome; Basal cell nevus syndrome. Identifiers: Orphanet 377, MedGen C0004779, MONDO:0007187.

Allele frequency attached by ClinVar (database versions not stated): gnomAD 0.00004; gnomAD exomes 0.00004 and 0.00006; ExAC 0.00005; TOPMed 0.00005; ESP Exome Variant Server 0.00008.
gnomAD v4.1: 65 of 1,613,610 alleles (0.004%); highest among the groups gnomAD compares: Middle Eastern, 0.049%; no homozygotes.

Submissions (3):

Labcorp Genetics (formerly Invitae), Labcorp
Classification: Uncertain significance for Gorlin syndrome. Last evaluated: 2025-09-22. Review status: criteria provided, single submitter. Criteria: Invitae Variant Classification Sherloc (09022015). Collection method: clinical testing. Allele origin: germline.
Comment: This sequence change replaces tyrosine, which is neutral and polar, with cysteine, which is neutral and slightly polar, at codon 408 of the PTCH2 protein (p.Tyr408Cys). This variant is present in population databases (rs140845138, gnomAD 0.07%), and has an allele count higher than expected for a pathogenic variant. This variant has not been reported in the literature in individuals affected with PTCH2-related conditions. ClinVar contains an entry for this variant (Variation ID: 946469). Invitae Evidence Modeling of protein sequence and biophysical properties (such as structural, functional, and spatial information, amino acid conservation, physicochemical variation, residue mobility, and thermodynamic stability) indicates that this missense variant is expected to disrupt PTCH2 protein function with a positive predictive value of 80%. In summary, the available evidence is currently insufficient to determine the role of this variant in disease. Therefore, it has been classified as a Variant of Uncertain Significance.

Ambry Genetics
Classification: Uncertain significance. Last evaluated: 2025-04-25. Review status: criteria provided, single submitter. Criteria: Ambry Variant Classification Scheme 2023. Collection method: clinical testing. Allele origin: germline.

Department of Pathology and Laboratory Medicine, Sinai Health System
Classification: Uncertain significance for Medulloblastoma; Basal cell carcinoma, susceptibility to, 1. Last evaluated: 2020-05-04. Review status: criteria provided, single submitter. Criteria: ACMG Guidelines, 2015. Collection method: research. Allele origin: germline.

NM_003738.5(PTCH2):c.1223A>G (p.Tyr408Cys)

Gene: PTCH2 (patched 2; minus strand). Cytogenetic location: 1p34.1.
Variant type: single nucleotide variant.
Coding change: c.1223A>G on transcript NM_003738.5 (MANE Select); coding-DNA position 1223, A replaced by G.
Protein change: p.Tyr408Cys; replaces tyrosine 408 with cysteine.
Molecular consequence: missense variant.
Genome position (GRCh38, 1-based): chr1:44,829,305, T>C on the plus strand (A>G on the coding strand, the complement: PTCH2 is on the minus strand). VCF-style: chr1-44829305-T-C. GRCh37 (hg19) VCF-style: chr1-45294977-T-C.
Other names: c.1223A>G, p.Tyr408Cys (NM_001166292.2); short protein forms Y408C.
Identifiers: ClinVar variation 946469 (VCV000946469.10), dbSNP rs140845138, ClinGen allele CA823378.